The following is an entry in ClinVar:

NM_020987.5(ANK3):c.3394del (p.Gln1132fs)

Gene: ANK3 (ankyrin 3; minus strand). Cytogenetic location: 10q21.2.
Variant type: Deletion.
Coding change: c.3394del on transcript NM_020987.5 (MANE Select); coding-DNA position 3394, one base deleted (C; older notation c.3394delC).
Protein change: p.Gln1132fs; shifts the reading frame from glutamine 1132.
Molecular consequence: frameshift variant.
Genome position (GRCh38, 1-based): chr10:60,088,293, G deleted on the plus strand (C on the coding strand, the reverse complement: ANK3 is on the minus strand); the first of 5 consecutive G bases (chr10:60,088,293-60,088,297); deleting any one gives the same sequence. VCF-style (leftmost placement, unchanged base first): chr10-60088292-TG-T. GRCh37 (hg19) VCF-style: chr10-61848050-TG-T.
Other names: c.796del, p.Gln266fs (NM_001149.4); c.3376del, p.Gln1126fs (NM_001204403.2); c.3397del, p.Gln1133fs (NM_001204404.2); c.3394del, p.Gln1132fs (NM_001320874.2); short protein forms Q1126fs, Q1132fs, Q1133fs, Q266fs.
Identifiers: ClinVar variation 2505100 (VCV002505100.3), dbSNP rs2492676617, ClinGen allele CA645559267.

ClinVar aggregate classification (germline): Uncertain significance (1 of 4 stars; one submission).

Submission:

GeneDx
Classification: Uncertain significance. Last evaluated: 2022-02-02. Review status: criteria provided, single submitter. Criteria: GeneDx Variant Classification Process June 2021. Collection method: clinical testing. Allele origin: germline. Affected: yes.
Comment: Variants in candidate genes are classified as variants of uncertain significance in accordance with ACMG guidelines (Richards et al., 2015); Frameshift variant predicted to result in protein truncation or nonsense mediated decay in a gene for which loss-of-function is not a known mechanism of disease; Not observed at significant frequency in large population cohorts (gnomAD); Has not been previously published as pathogenic or benign to our knowledge